The following is an entry in ClinVar:

ClinVar aggregate classification (germline): Uncertain significance. Review status: criteria provided, multiple submitters, no conflicts (2 of 4 stars). 3 submissions from 3 submitters: Uncertain significance (3). Last evaluated 2025-12-08.

Conditions:
Hereditary cancer-predisposing syndrome. Also called: Hereditary neoplastic syndrome; Neoplastic Syndromes, Hereditary; Tumor predisposition; Hereditary Cancer Syndrome. Identifiers: Orphanet 140162, MedGen C0027672, MeSH D009386, MONDO:0015356.
Familial adenomatous polyposis 1 (FAP1). Also called: FAMILIAL ADENOMATOUS POLYPOSIS 1, ATTENUATED; POLYPOSIS, ADENOMATOUS INTESTINAL. Identifiers: MedGen C2713442, MONDO:0021056, OMIM 175100. Disease mechanism: loss of function.

Submissions (3):

Ambry Genetics
Classification: Uncertain significance for Hereditary cancer-predisposing syndrome. Last evaluated: 2025-12-08. Review status: criteria provided, single submitter. Criteria: Ambry Variant Classification Scheme 2023. Collection method: clinical testing. Allele origin: germline.
Comment: The p.Q1930P variant (also known as c.5789A>C), located in coding exon 15 of the APC gene, results from an A to C substitution at nucleotide position 5789. The glutamine at codon 1930 is replaced by proline, an amino acid with similar properties. This amino acid position is conserved. In addition, in silico predictors for this gene do not accurately predict pathogenicity. Based on the available evidence, the clinical significance of this variant remains unclear.

Labcorp Genetics (formerly Invitae), Labcorp
Classification: Uncertain significance for Familial adenomatous polyposis 1. Last evaluated: 2024-08-08. Review status: criteria provided, single submitter. Criteria: Invitae Variant Classification Sherloc (09022015). Collection method: clinical testing. Allele origin: germline.
Comment: This sequence change replaces glutamine, which is neutral and polar, with proline, which is neutral and non-polar, at codon 1930 of the APC protein (p.Gln1930Pro). This variant is not present in population databases (gnomAD no frequency). This variant has not been reported in the literature in individuals affected with APC-related conditions. ClinVar contains an entry for this variant (Variation ID: 246427). Advanced modeling of protein sequence and biophysical properties (such as structural, functional, and spatial information, amino acid conservation, physicochemical variation, residue mobility, and thermodynamic stability) performed at Invitae indicates that this missense variant is not expected to disrupt APC protein function with a negative predictive value of 95%. In summary, the available evidence is currently insufficient to determine the role of this variant in disease. Therefore, it has been classified as a Variant of Uncertain Significance.

GeneDx
Classification: Uncertain significance. Last evaluated: 2016-02-19. Review status: criteria provided, single submitter. Criteria: GeneDx Variant Classification (06012015). Collection method: clinical testing. Allele origin: germline. Affected: yes.
Comment: This variant is denoted APC c.5789A>C at the cDNA level, p.Gln1930Pro (Q1930P) at the protein level, and results in the change of a Glutamine to a Proline (CAA>CCA). This variant has not, to our knowledge, been published in the literature as pathogenic or benign. APC Gln1930Pro was not observed in approximately 6,500 individuals of European and African American ancestry in the NHLBI Exome Sequencing Project, suggesting it is not a common benign variant in these populations. Since Glutamine and Proline differ in polarity, charge, size or other properties, this is considered a non-conservative amino acid substitution. APC Gln1930Pro occurs at a position that is not conserved and is located within the 20-amino acid repeat beta-catenin down regulating domain and the axin binding domain (Azzopardi 2008). In silico analyses predict that this variant is unlikely to alter protein structure or function. Based on currently available evidence, it is unclear whether APC Gln1930Pro is a pathogenic or benign variant. We consider it to be a variant of uncertain significance.

NM_000038.6(APC):c.5789A>C (p.Gln1930Pro)

Gene: APC (APC regulator of Wnt signaling pathway; plus strand). Cytogenetic location: 5q22.2.
Variant type: single nucleotide variant.
Coding change: c.5789A>C on transcript NM_000038.6 (MANE Select); coding-DNA position 5789, A replaced by C.
Protein change: p.Gln1930Pro; replaces glutamine 1930 with proline.
Molecular consequence: missense variant.
Genome position (GRCh38, 1-based): chr5:112,841,383, A>C. VCF-style: chr5-112841383-A-C. GRCh37 (hg19) VCF-style: chr5-112177080-A-C.
Other names: c.5789A>C, p.Gln1930Pro (NM_001127510.3, NM_001354895.2); c.5735A>C, p.Gln1912Pro (NM_001127511.3); c.5843A>C, p.Gln1948Pro (NM_001354896.2); c.5819A>C, p.Gln1940Pro (NM_001354897.2); c.5714A>C, p.Gln1905Pro (NM_001354898.2); c.5705A>C, p.Gln1902Pro (NM_001354899.2); c.5666A>C, p.Gln1889Pro (NM_001354900.2); c.5612A>C, p.Gln1871Pro (NM_001354901.2); and 5 more; short protein forms Q1912P, Q1930P, Q1647P, Q1804P, Q1889P, Q1905P, Q1829P, Q1871P.
Identifiers: ClinVar variation 246427 (VCV000246427.6), dbSNP rs879254254, ClinGen allele CA10584257.
Genomic context (GRCh38, chr5:112,841,383, plus strand): 5'-CACAAGCTATTGCAAAGCAGCCAATAAATCGAGGTCAGCCTAAACCCATACTTCAGAAAC[A>C]ATCCACTTTTCCCCAGTCATCCAAAGACATACCAGACAGAGGGGCAGCAACTGATGAAAA-3'
Protein context (NP_000029.2, residues 1920-1940): RGQPKPILQK[Gln1930Pro]STFPQSSKDI